The following is an entry in ClinVar:

NM_032119.4(ADGRV1):c.17906G>A (p.Ser5969Asn)

Gene: ADGRV1 (adhesion G protein-coupled receptor V1; plus strand). Cytogenetic location: 5q14.3.
Variant type: single nucleotide variant.
Coding change: c.17906G>A on transcript NM_032119.4 (MANE Select); coding-DNA position 17906, G replaced by A.
Protein change: p.Ser5969Asn; replaces serine 5969 with asparagine.
Molecular consequence: missense variant. On other transcripts: non-coding transcript variant (1).
Genome position (GRCh38, 1-based): chr5:90,965,464, G>A. VCF-style: chr5-90965464-G-A. GRCh37 (hg19) VCF-style: chr5-90261281-G-A.
Other names: short protein forms S5969N.
Identifiers: ClinVar variation 3777428 (VCV003777428.1).
Genomic context (GRCh38, chr5:90,965,464, plus strand): 5'-GTTTCTTACAGATTCTGTTTCTGGCGTCTGCATACGCAAGTCCCCAACTCGCTGAGGAGA[G>A]CTGTTCAGCTATGGCTGCTGTCACACATTACCTGTATCTTTGCCAGTTTAGCTGGATGCT-3'
Protein context (NP_115495.3, residues 5959-5979): AYASPQLAEE[Ser5969Asn]CSAMAAVTHY

ClinVar aggregate classification (germline): Uncertain significance (1 of 4 stars; one submission).

Submission:

GeneDx
Classification: Uncertain significance. Last evaluated: 2024-10-09. Review status: criteria provided, single submitter. Criteria: GeneDx Variant Classification Process June 2021. Collection method: clinical testing. Allele origin: germline. Affected: yes.
Comment: Not observed at significant frequency in large population cohorts (gnomAD); In silico analysis indicates that this missense variant does not alter protein structure/function; Has not been previously published as pathogenic or benign to our knowledge